The following is an entry in ClinVar:

ClinVar aggregate classification (germline): Uncertain significance. Review status: criteria provided, multiple submitters, no conflicts (2 of 4 stars). 2 submissions from 2 submitters: Uncertain significance (2). Last evaluated 2022-07-08.

Conditions:
Neurofibromatosis, type 1 (NF1). Also called: Peripheral type neurofibromatosis; VON RECKLINGHAUSEN DISEASE; NEUROFIBROMATOSIS, TYPE I, SOMATIC; Neurofibromatosis, type I. Identifiers: Orphanet 636, MedGen C0027831, MONDO:0018975, OMIM 162200. Disease mechanism: loss of function.
Cardiovascular phenotype. Identifiers: MedGen CN230736.
Hereditary cancer-predisposing syndrome. Also called: Neoplastic Syndromes, Hereditary; Tumor predisposition; Hereditary neoplastic syndrome; Hereditary Cancer Syndrome. Identifiers: Orphanet 140162, MedGen C0027672, MeSH D009386, MONDO:0015356.

Submissions (2):

Labcorp Genetics (formerly Invitae), Labcorp
Classification: Uncertain significance for Neurofibromatosis, type 1. Last evaluated: 2022-07-08. Review status: criteria provided, single submitter. Criteria: Invitae Variant Classification Sherloc (09022015). Collection method: clinical testing. Allele origin: germline.
Comment: This variant is not present in population databases (gnomAD no frequency). This sequence change creates a premature translational stop signal (p.Arg2791*) in the NF1 gene. While this is not anticipated to result in nonsense mediated decay, it is expected to disrupt the last 28 amino acid(s) of the NF1 protein. In summary, the available evidence is currently insufficient to determine the role of this variant in disease. Therefore, it has been classified as a Variant of Uncertain Significance. Experimental studies and prediction algorithms are not available or were not evaluated, and the functional significance of this variant is currently unknown. This variant has not been reported in the literature in individuals affected with NF1-related conditions.

Ambry Genetics
Classification: Uncertain significance for Cardiovascular phenotype; Hereditary cancer-predisposing syndrome. Last evaluated: 2022-02-28. Review status: criteria provided, single submitter. Criteria: Ambry Variant Classification Scheme 2023. Collection method: clinical testing. Allele origin: germline.
Comment: The p.R2791* variant (also known as c.8371C>T), located in coding exon 57 of the NF1 gene, results from a C to T substitution at nucleotide position 8371. This changes the amino acid from an arginine to a stop codon within coding exon 57. This alteration occurs at the 3' terminus of theNF1 gene, is not expected to trigger nonsense-mediated mRNAdecay, and only impacts the last 1% of the protein. The exact functional effect of this alteration is unknown. Since supporting evidence is limited at this time, the clinical significance of this alteration remains unclear.

NM_001042492.3(NF1):c.8434C>T (p.Arg2812Ter)

Gene: NF1 (neurofibromin 1; plus strand). Cytogenetic location: 17q11.2.
Variant type: single nucleotide variant.
Coding change: c.8434C>T on transcript NM_001042492.3 (MANE Select); coding-DNA position 8434, C replaced by T.
Protein change: p.Arg2812Ter; replaces arginine 2812 with a stop codon.
Molecular consequence: nonsense.
Genome position (GRCh38, 1-based): chr17:31,374,069, C>T. VCF-style: chr17-31374069-C-T. GRCh37 (hg19) VCF-style: chr17-29701087-C-T.
Other names: c.8371C>T, p.Arg2791Ter (NM_000267.4); short protein forms R2812*, R2791*.
Identifiers: ClinVar variation 1763121 (VCV001763121.7), dbSNP rs2151601420, ClinGen allele CA399205970.